The following is an entry in ClinVar:

ClinVar aggregate classification (germline): Conflicting classifications of pathogenicity. Review status: criteria provided, conflicting classifications (1 of 4 stars). 18 submissions from 18 submitters: Uncertain significance (6); Benign (3); Likely benign (5). 4 of the submissions do not count toward it. Last evaluated 2026-05-15.

Conditions:
BRCA2-related disorder. Also called: BRCA2-related condition; BRCA2-related disorders. Identifiers: MedGen CN239275.
Breast and/or ovarian cancer. Identifiers: MedGen CN221562.
Hereditary cancer-predisposing syndrome. Also called: Hereditary Cancer Syndrome; Hereditary neoplastic syndrome; Neoplastic Syndromes, Hereditary; Tumor predisposition. Identifiers: Orphanet 140162, MedGen C0027672, MeSH D009386, MONDO:0015356.
Breast neoplasm. Also called: Neoplasm of breast; Breast tumor; Neoplasm of the breast; Breast Neoplasms. Identifiers: MedGen C1458155, MeSH D001943, MONDO:0021100, HP:0100013. Disease mechanism: gain of function.
Hereditary breast ovarian cancer syndrome. Also called: BRCA1- and BRCA2-Associated Hereditary Breast and Ovarian Cancer; Hereditary breast and ovarian cancer syndrome; Hereditary breast and/or ovarian cancer syndrome; Hereditary breast and ovarian cancer; Hereditary breast and ovarian cancer syndrome (HBOC); Breast and ovarian cancer. Identifiers: Orphanet 145, MedGen C0677776, MeSH D061325, MONDO:0003582. Disease mechanism: loss of function.
Breast-ovarian cancer, familial, susceptibility to, 2 (BROVCA2). Also called: BRCA2 Hereditary Breast and Ovarian Cancer. Identifiers: Orphanet 145, MedGen C2675520, MONDO:0012933, OMIM 612555. Disease mechanism: loss of function.
Carcinoma of colon (CRC). Also called: Colon carcinoma; Colonic carcinoma. Identifiers: MedGen C0699790, MONDO:0002032.

Allele frequency attached by ClinVar (database versions not stated): 1000 Genomes Project 0.00020; gnomAD 0.00012 and 0.00014; gnomAD exomes 0.00002 and 0.00003; TOPMed 0.00013; ESP Exome Variant Server 0.00015; ExAC 0.00003; 1000 Genomes Project 30x 0.00031.
gnomAD v4.1: 58 of 1,613,662 alleles (0.0036%); highest among the groups gnomAD compares: African/African-American, 0.06%; no homozygotes.

Submissions 1 to 15 of 18:

Women's Health and Genetics/Laboratory Corporation of America, LabCorp
Classification: Likely benign. Last evaluated: 2026-05-15. Review status: criteria provided, single submitter. Criteria: LabCorp Variant Classification Summary - May 2015. Collection method: clinical testing. Allele origin: germline.
Comment: Variant summary: BRCA2 c.742G>A (p.Ala248Thr) results in a non-conservative amino acid change in the encoded protein sequence. Algorithms developed to predict the effect of missense changes on protein structure and function are either unavailable or do not agree on the potential impact of this missense change. The variant allele was found at a frequency of 3.5e-05 in 1736438 control chromosomes, predominantly at a frequency of 0.0006 within the African or African-American subpopulation in the gnomAD database. This frequency is near, but not significantly higher than estimated for a pathogenic variant in BRCA2 causing Hereditary Breast And Ovarian Cancer Syndrome (0.0006 vs 0.00075), allowing no conclusion about variant significance. c.742G>A has been reported in the literature in individuals affected with breast cancer (example: Gao_2000, Haffty_2006, Maxwell_2015, Dorling_2021), however, it was also found in healthy controls (example: Bodian_2014, Momozawa_2018, Dorling_2021, Okawa_2023, FLOSSIES database).These reports do not provide unequivocal conclusions about association of the variant with Hereditary Breast And Ovarian Cancer Syndrome. This variant was found co-occurring with another pathogenic BRCA2 variant via internal testing (BRCA2 c.5164_5165delAG, p.Ser1722fs), providing supporting evidence for a benign role. The following publications have been ascertained in the context of this evaluation (PMID: 25637381, 24728327, 24504028, 33471991, 28814288, 22034289, 15744044, 11030418, 15983021, 25503501, 30287823, 36243179, 12491487, 33233347). To our knowledge, no experimental evidence demonstrating an impact on protein function has been reported. ClinVar contains an entry for this variant (Variation ID: 52326). Based on the evidence outlined above, the variant was classified as likely benign.

Labcorp Genetics (formerly Invitae), Labcorp
Classification: Benign for Hereditary breast ovarian cancer syndrome. Last evaluated: 2026-01-12. Review status: criteria provided, single submitter. Criteria: Invitae Variant Classification Sherloc (09022015). Collection method: clinical testing. Allele origin: germline.

Genetic Services Laboratory, University of Chicago
Classification: Uncertain significance. Last evaluated: 2025-07-24. Review status: criteria provided, single submitter. Criteria: ACMG Guidelines, 2015. Collection method: clinical testing. Allele origin: germline.
Comment: The c.742G>A variant: Results in an amino acid change, p.Ala248Thr. Has been previously described in individuals with breast cancer as well as reportedly unaffected individuals (PMIDs: 15744044, 12491487, 30287823, 15983021, 22034289, 24728327). Is reported in the gnomAD v4 database with a frequency of 0.06% in the African/African American subpopulation (dbSNP rs55854959). Affects a poorly conserved amino acid residue located in a domain of the BRCA2 protein that is known to be functional. Appears to be benign using several in-silico pathogenicity prediction tools. ClinVar contains an entry for this variant (Variation ID: 52326). Due to insufficient evidence and the lack of functional studies, the clinical significance of the p.Ala248Thr variant remains unknown at this time.

PreventionGenetics, part of Exact Sciences
Classification: Likely benign for BRCA2-related condition. Last evaluated: 2025-07-22. Review status: criteria provided, single submitter. Criteria: ACMG Guidelines, 2015. Collection method: clinical testing. Allele origin: germline.
Comment: This variant is classified as likely benign based on ACMG/AMP sequence variant interpretation guidelines (Richards et al. 2015 PMID: 25741868, with internal and published modifications).

ARUP Laboratories, Molecular Genetics and Genomics, ARUP Laboratories
Classification: Benign. Last evaluated: 2023-12-01. Review status: criteria provided, single submitter. Criteria: ARUP Molecular Germline Variant Investigation Process 2024. Collection method: clinical testing. Allele origin: germline.

GeneDx
Classification: Uncertain significance. Last evaluated: 2023-10-11. Review status: criteria provided, single submitter. Criteria: GeneDx Variant Classification Process June 2021. Collection method: clinical testing. Allele origin: germline. Affected: yes.
Comment: Observed in individuals with breast cancer, but also in unaffected controls (Olopade et al., 2003; Fackenthal et al., 2005; Haffty et al., 2006; Maxwell et al., 2015; Momozawa et al., 2018); In silico analysis supports that this missense variant does not alter protein structure/function; Also known as 970G>A; This variant is associated with the following publications: (PMID: 15744044, 12491487, 26773734, 28814288, 30287823, 15983021, 22034289, 24728327, 27300552, 25637381, 25503501, 11030417, 24504028, 33471991, 33233347)

St. Jude Molecular Pathology, St. Jude Children's Research Hospital
Classification: Uncertain significance for Breast-ovarian cancer, familial, susceptibility to, 2. Last evaluated: 2023-05-31. Review status: criteria provided, single submitter. Criteria: St. Jude Assertion Criteria 2020. Collection method: clinical testing. Allele origin: germline.
Comment: The BRCA2 c.742G>A (p.Ala248Thr) missense change has a maximum subpopulation frequency of 0.028% in gnomAD v2.1.1. The in silico tool REVEL predicts a benign effect on protein function, but to our knowledge this prediction has not been confirmed by functional studies. This variant has been reported in an individual with a personal history of breast cancer (PMID: 15744044). To our knowledge, this variant has not been reported in individuals with Fanconi anemia. In summary, the evidence currently available is insufficient to determine the clinical significance of this variant. It has therefore been classified as of uncertain significance.

Quest Diagnostics Nichols Institute San Juan Capistrano
Classification: Likely benign. Last evaluated: 2022-12-12. Review status: criteria provided, single submitter. Criteria: Quest Diagnostics criteria. Collection method: clinical testing. Allele origin: unknown.

CHEO Genetics Diagnostic Laboratory, Children's Hospital of Eastern Ontario
Classification: Uncertain significance for Breast and/or ovarian cancer. Last evaluated: 2020-11-02. Review status: criteria provided, single submitter. Criteria: ACMG Guidelines, 2015. Collection method: clinical testing. Allele origin: germline.

Baylor Genetics
Classification: Uncertain significance for Breast-ovarian cancer, familial, susceptibility to, 2. Last evaluated: 2020-01-08. Review status: criteria provided, single submitter. Criteria: ACMG Guidelines, 2015. Collection method: clinical testing. Allele origin: maternal. Affected: yes. Study: CSER-TexasKidsCanSeq.
Comment: This variant was determined to be of uncertain significance according to ACMG Guidelines, 2015 [PMID:25741868].

Mendelics
Classification: Benign for Breast-ovarian cancer, familial, susceptibility to, 2. Last evaluated: 2019-05-28. Review status: criteria provided, single submitter. Criteria: Mendelics Assertion Criteria 2017. Collection method: clinical testing. Allele origin: unknown.

Ambry Genetics
Classification: Likely benign for Hereditary cancer-predisposing syndrome. Last evaluated: 2019-04-18. Review status: criteria provided, single submitter. Criteria: Ambry Variant Classification Scheme 2023. Collection method: clinical testing. Allele origin: germline.

Color Diagnostics, LLC DBA Color Health
Classification: Likely benign for Hereditary cancer-predisposing syndrome. Last evaluated: 2016-03-02. Review status: criteria provided, single submitter. Criteria: ACMG Guidelines, 2015. Collection method: clinical testing. Allele origin: germline.

CSER _CC_NCGL, University of Washington
Classification: Uncertain significance for Breast cancer. Last evaluated: 2014-06-01. Review status: criteria provided, single submitter. Criteria: Amendola et al. (Genome Res. 2015). Collection method: research. Allele origin: germline. Inheritance: Autosomal dominant inheritance. Study: ESP 6500 variant annotation.
Comment: Low GERP score may suggest that this variant may belong in a lower pathogenicity class

Variants classified for the Actionable exomic incidental findings in 6503 participants: challenges of variant classification manuscript

BRCAlab, Lund University
Classification: Uncertain significance for Breast-ovarian cancer, familial, susceptibility to, 2. Last evaluated: 2020-03-02. Review status: no assertion criteria provided. Collection method: clinical testing. Allele origin: germline. Affected: yes. Not counted in ClinVar's aggregate classification.

NM_000059.4(BRCA2):c.742G>A (p.Ala248Thr)

Gene: BRCA2 (BRCA2 DNA repair associated; plus strand). Cytogenetic location: 13q13.1.
Variant type: single nucleotide variant.
Coding change: c.742G>A on transcript NM_000059.4 (MANE Select); coding-DNA position 742, G replaced by A.
Protein change: p.Ala248Thr; replaces alanine 248 with threonine.
Molecular consequence: missense variant.
Genome position (GRCh38, 1-based): chr13:32,330,979, G>A. VCF-style: chr13-32330979-G-A. GRCh37 (hg19) VCF-style: chr13-32905116-G-A.
Other names: p.A248T:GCT>ACT; short protein forms A248T.
Identifiers: ClinVar variation 52326 (VCV000052326.45), dbSNP rs55854959, ClinGen allele CA025077.